The following is an entry in ClinVar:

ClinVar aggregate classification (germline): Uncertain significance (1 of 4 stars; one submission).

gnomAD v4.1: 57 of 1,613,724 alleles (0.0035%); highest among the groups gnomAD compares: South Asian, 0.0088%; no homozygotes.

Submission:

Labcorp Genetics (formerly Invitae), Labcorp
Classification: Uncertain significance. Last evaluated: 2024-04-15. Review status: criteria provided, single submitter. Criteria: Invitae Variant Classification Sherloc (09022015). Collection method: clinical testing. Allele origin: germline.
Comment: This sequence change replaces glycine, which is neutral and non-polar, with arginine, which is basic and polar, at codon 1560 of the ROBO1 protein (p.Gly1560Arg). This variant is present in population databases (rs372268040, gnomAD 0.006%). This variant has not been reported in the literature in individuals affected with ROBO1-related conditions. Advanced modeling of protein sequence and biophysical properties (such as structural, functional, and spatial information, amino acid conservation, physicochemical variation, residue mobility, and thermodynamic stability) performed at Invitae indicates that this missense variant is not expected to disrupt ROBO1 protein function with a negative predictive value of 95%. In summary, the available evidence is currently insufficient to determine the role of this variant in disease. Therefore, it has been classified as a Variant of Uncertain Significance.

NM_002941.4(ROBO1):c.4678G>A (p.Gly1560Arg)

Gene: ROBO1 (roundabout guidance receptor 1; minus strand). Cytogenetic location: 3p12.3.
Variant type: single nucleotide variant.
Coding change: c.4678G>A on transcript NM_002941.4 (MANE Select); coding-DNA position 4678, G replaced by A.
Protein change: p.Gly1560Arg; replaces glycine 1560 with arginine.
Molecular consequence: missense variant.
Genome position (GRCh38, 1-based): chr3:78,606,799, C>T on the plus strand (G>A on the coding strand, the complement: ROBO1 is on the minus strand). VCF-style: chr3-78606799-C-T. GRCh37 (hg19) VCF-style: chr3-78655949-C-T.
Other names: c.4378G>A, p.Gly1460Arg (NM_001145845.2); c.4543G>A, p.Gly1515Arg (NM_133631.4); short protein forms G1460R, G1515R, G1560R.
Identifiers: ClinVar variation 3659306 (VCV003659306.2).